The following is an entry in ClinVar:

ClinVar aggregate classification (germline): Uncertain significance. Review status: criteria provided, multiple submitters, no conflicts (2 of 4 stars). 2 submissions from 2 submitters: Uncertain significance (2). Last evaluated 2022-09-05.

Conditions:
Cardiovascular phenotype. Identifiers: MedGen CN230736.
Arrhythmogenic right ventricular dysplasia 10. Also called: Arrhythmogenic right ventricular dysplasia/cardiomyopathy, type 10; ARRHYTHMOGENIC RIGHT VENTRICULAR DYSPLASIA, FAMILIAL, 10; Arrhythmogenic Right Ventricular Dysplasia/Cardiomyopathy10. Identifiers: MedGen C1857777, MONDO:0012434, OMIM 610193.

Submissions (2):

Ambry Genetics
Classification: Uncertain significance for Cardiovascular phenotype. Last evaluated: 2022-09-05. Review status: criteria provided, single submitter. Criteria: Ambry Variant Classification Scheme 2023. Collection method: clinical testing. Allele origin: germline.
Comment: The p.F816Y variant (also known as c.2447T>A), located in coding exon 15 of the DSG2 gene, results from a T to A substitution at nucleotide position 2447. The phenylalanine at codon 816 is replaced by tyrosine, an amino acid with highly similar properties. This amino acid position is conserved. In addition, the in silico prediction for this alteration is inconclusive. Since supporting evidence is limited at this time, the clinical significance of this alteration remains unclear.

Labcorp Genetics (formerly Invitae), Labcorp
Classification: Uncertain significance for Arrhythmogenic right ventricular dysplasia 10. Last evaluated: 2022-03-18. Review status: criteria provided, single submitter. Criteria: Invitae Variant Classification Sherloc (09022015). Collection method: clinical testing. Allele origin: germline.
Comment: In summary, the available evidence is currently insufficient to determine the role of this variant in disease. Therefore, it has been classified as a Variant of Uncertain Significance. Algorithms developed to predict the effect of missense changes on protein structure and function are either unavailable or do not agree on the potential impact of this missense change (SIFT: "Tolerated"; PolyPhen-2: "Probably Damaging"; Align-GVGD: "Class C0"). ClinVar contains an entry for this variant (Variation ID: 836109). This variant has not been reported in the literature in individuals affected with DSG2-related conditions. This sequence change replaces phenylalanine, which is neutral and non-polar, with tyrosine, which is neutral and polar, at codon 816 of the DSG2 protein (p.Phe816Tyr). This variant is not present in population databases (gnomAD no frequency).

NM_001943.5(DSG2):c.2447T>A (p.Phe816Tyr)

Genes: DSG2 (desmoglein 2; plus strand), DSG2-AS1 (DSG2 antisense RNA 1; minus strand). Cytogenetic location: 18q12.1.
Variant type: single nucleotide variant.
Coding change: c.2447T>A on transcript NM_001943.5 (MANE Select); coding-DNA position 2447, T replaced by A.
Protein change: p.Phe816Tyr; replaces phenylalanine 816 with tyrosine.
Molecular consequence: missense variant. On other transcripts: non-coding transcript variant (1).
Genome position (GRCh38, 1-based): chr18:31,545,833, T>A. VCF-style: chr18-31545833-T-A. GRCh37 (hg19) VCF-style: chr18-29125796-T-A.
Other names: short protein forms F816Y.
Identifiers: ClinVar variation 836109 (VCV000836109.11), dbSNP rs1284559802, ClinGen allele CA402144613.